The following is an entry in ClinVar:

ClinVar aggregate classification (germline): Uncertain significance (1 of 4 stars; one submission).

Conditions:
Cardiovascular phenotype. Identifiers: MedGen CN230736.

Allele frequency attached by ClinVar (database versions not stated): TOPMed below 0.00001.
gnomAD v4.1: 3 of 1,614,026 alleles (0.00019%); highest among the groups gnomAD compares: Non-Finnish European, 0.00025%; no homozygotes.

Submission:

Ambry Genetics
Classification: Uncertain significance for Cardiovascular phenotype. Last evaluated: 2024-04-24. Review status: criteria provided, single submitter. Criteria: Ambry Variant Classification Scheme 2023. Collection method: clinical testing. Allele origin: germline.
Comment: The p.A442G variant (also known as c.1325C>G), located in coding exon 6 of the ALMS1 gene, results from a C to G substitution at nucleotide position 1325. The alanine at codon 442 is replaced by glycine, an amino acid with similar properties. This amino acid position is not well conserved in available vertebrate species. In addition, this alteration is predicted to be tolerated by in silico analysis. Based on the available evidence, the clinical significance of this variant remains unclear.

NM_001378454.1(ALMS1):c.1322C>G (p.Ala441Gly)

Gene: ALMS1 (ALMS1 centrosome and basal body associated protein; plus strand). Cytogenetic location: 2p13.1.
Variant type: single nucleotide variant.
Coding change: c.1322C>G on transcript NM_001378454.1 (MANE Select); coding-DNA position 1322, C replaced by G.
Protein change: p.Ala441Gly; replaces alanine 441 with glycine.
Molecular consequence: missense variant.
Genome position (GRCh38, 1-based): chr2:73,426,537, C>G. VCF-style: chr2-73426537-C-G. GRCh37 (hg19) VCF-style: chr2-73653665-C-G.
Other names: c.1325C>G, p.Ala442Gly (NM_015120.4); short protein forms A441G, A442G.
Identifiers: ClinVar variation 1769991 (VCV001769991.3), dbSNP rs781359646, ClinGen allele CA50373442.